The following is an entry in ClinVar:

ClinVar aggregate classification (germline): Likely pathogenic (1 of 4 stars; one submission).

Conditions:
Finnish congenital nephrotic syndrome (NPHS1). Also called: NEPHROTIC SYNDROME, TYPE 1. Identifiers: Orphanet 839, MedGen C0403399, MONDO:0009732, OMIM 256300.

Submission:

Myriad Genetics, Inc.
Classification: Likely pathogenic for Finnish congenital nephrotic syndrome. Last evaluated: 2022-02-25. Review status: criteria provided, single submitter. Criteria: Myriad Women's Health Autosomal Recessive and X-Linked Classification Criteria (2021). Collection method: clinical testing. Allele origin: unknown.
Comment: NM_004646.3(NPHS1):c.2354_2355ins13(Q785Hfs*9) is expected to be pathogenic in the context of nephrotic syndrome, NPHS1-related. This variant is predicted to lead to an abnormal or absent protein product due to the creation of a premature termination codon in NPHS1, a gene where loss-of-function variants are known to be pathogenic. Please note: this variant was assessed in the context of healthy population screening.

NM_004646.4(NPHS1):c.2354_2355insTCGTCGTGCTGCT (p.Gln785fs)

Gene: NPHS1 (NPHS1 adhesion molecule, nephrin; minus strand). Cytogenetic location: 19q13.12.
Variant type: Insertion.
Coding change: c.2354_2355insTCGTCGTGCTGCT on transcript NM_004646.4 (MANE Select); coding-DNA positions 2354 to 2355, TCGTCGTGCTGCT inserted.
Protein change: p.Gln785fs; shifts the reading frame from glutamine 785.
Molecular consequence: frameshift variant.
Genome position: GRCh38 VCF-style: chr19-35842530-C-CAGCAGCACGACGA. GRCh37 (hg19) VCF-style: chr19-36333432-C-CAGCAGCACGACGA.
Other names: short protein forms Q785fs.
Identifiers: ClinVar variation 1724733 (VCV001724733.2), dbSNP rs2513769591, ClinGen allele CA2580096875.